The following is an entry in ClinVar:

NM_001378964.1(CDON):c.2242G>A (p.Gly748Ser)

Gene: CDON (cell adhesion associated, oncogene regulated; minus strand). Cytogenetic location: 11q24.2.
Variant type: single nucleotide variant.
Coding change: c.2242G>A on transcript NM_001378964.1 (MANE Select); coding-DNA position 2242, G replaced by A.
Protein change: p.Gly748Ser; replaces glycine 748 with serine.
Molecular consequence: missense variant.
Genome position (GRCh38, 1-based): chr11:125,997,327, C>T on the plus strand (G>A on the coding strand, the complement: CDON is on the minus strand). VCF-style: chr11-125997327-C-T. GRCh37 (hg19) VCF-style: chr11-125867222-C-T.
Other names: c.2242G>A, p.Gly748Ser (NM_001243597.3, NM_016952.6); short protein forms G748S.
Identifiers: ClinVar variation 2873946 (VCV002873946.3), dbSNP rs1433190946, ClinGen allele CA383206217.

ClinVar aggregate classification (germline): Uncertain significance (1 of 4 stars; one submission).

Conditions:
Holoprosencephaly 11 (HPE11). Identifiers: Orphanet 2162, MedGen C3280215, MONDO:0013642, OMIM 614226.

Allele frequency attached by ClinVar (database versions not stated): gnomAD 0.00002; TOPMed 0.00002; gnomAD exomes 0.00006.
gnomAD v4.1: 93 of 1,613,914 alleles (0.0058%); highest among the groups gnomAD compares: Non-Finnish European, 0.0078%; no homozygotes.

Submission:

Labcorp Genetics (formerly Invitae), Labcorp
Classification: Uncertain significance for Holoprosencephaly 11. Last evaluated: 2023-04-01. Review status: criteria provided, single submitter. Criteria: Invitae Variant Classification Sherloc (09022015). Collection method: clinical testing. Allele origin: germline.
Comment: In summary, the available evidence is currently insufficient to determine the role of this variant in disease. Therefore, it has been classified as a Variant of Uncertain Significance. Advanced modeling of protein sequence and biophysical properties (such as structural, functional, and spatial information, amino acid conservation, physicochemical variation, residue mobility, and thermodynamic stability) performed at Invitae indicates that this missense variant is not expected to disrupt CDON protein function. This variant has not been reported in the literature in individuals affected with CDON-related conditions. This variant is not present in population databases (gnomAD no frequency). This sequence change replaces glycine, which is neutral and non-polar, with serine, which is neutral and polar, at codon 748 of the CDON protein (p.Gly748Ser).